The following is an entry in ClinVar:

ClinVar aggregate classification (germline): Pathogenic/Likely pathogenic. Review status: criteria provided, multiple submitters, no conflicts (2 of 4 stars). 2 submissions from 2 submitters: Pathogenic (1); Likely pathogenic (1). Last evaluated 2024-04-22.

Conditions:
Pontocerebellar hypoplasia type 1B. Also called: EXOSC3 Pontocerebellar Hypoplasia. Identifiers: Orphanet 2254, MedGen C3553449, MONDO:0013853, OMIM 614678.

Allele frequency attached by ClinVar (database versions not stated): ExAC 0.00007.

Submissions (2):

Fulgent Genetics
Classification: Likely pathogenic for Pontocerebellar hypoplasia type 1B. Last evaluated: 2024-04-22. Review status: criteria provided, single submitter. Criteria: ACMG Guidelines, 2015. Collection method: clinical testing. Allele origin: germline.

Labcorp Genetics (formerly Invitae), Labcorp
Classification: Pathogenic for Pontocerebellar hypoplasia type 1B. Last evaluated: 2023-04-18. Review status: criteria provided, single submitter. Criteria: Invitae Variant Classification Sherloc (09022015). Collection method: clinical testing. Allele origin: germline.
Comment: This variant is present in population databases (rs773436764, gnomAD 0.02%). This sequence change affects the initiator methionine of the EXOSC3 mRNA. The next in-frame methionine is located at codon 174. Disruption of the initiator codon has been observed in individual(s) with pontocerebellar hypoplasia (PMID: 23284067, 31980526). For these reasons, this variant has been classified as Pathogenic. This variant disrupts a region of the EXOSC3 protein in which other variant(s) (p.Asp132Ala) have been determined to be pathogenic (PMID: 22544365, 23975261, 24524299, 25533962). This suggests that this is a clinically significant region of the protein, and that variants that disrupt it are likely to be disease-causing.

Literature cited by the submitters: PubMed 23284067 (cited by Labcorp Genetics (formerly Invitae), Labcorp); PubMed 31980526 (cited by Labcorp Genetics (formerly Invitae), Labcorp); PubMed 22544365 (cited by Labcorp Genetics (formerly Invitae), Labcorp); PubMed 23975261 (cited by Labcorp Genetics (formerly Invitae), Labcorp); PubMed 24524299 (cited by Labcorp Genetics (formerly Invitae), Labcorp); PubMed 25533962 (cited by Labcorp Genetics (formerly Invitae), Labcorp).

NM_016042.4(EXOSC3):c.1A>G (p.Met1Val)

Gene: EXOSC3 (exosome component 3; minus strand). Cytogenetic location: 9p13.2.
Variant type: single nucleotide variant.
Coding change: c.1A>G on transcript NM_016042.4 (MANE Select); coding-DNA position 1, A replaced by G.
Protein change: p.Met1Val; changes the start codon (methionine 1).
Molecular consequence: missense variant, initiator codon variant.
Genome position (GRCh38, 1-based): chr9:37,785,044, T>C on the plus strand (A>G on the coding strand, the complement: EXOSC3 is on the minus strand). VCF-style: chr9-37785044-T-C. GRCh37 (hg19) VCF-style: chr9-37785041-T-C.
Other names: c.1A>G, p.Met1Val (NM_001002269.2); short protein forms M1V.
Identifiers: ClinVar variation 2771413 (VCV002771413.5), dbSNP rs773436764, ClinGen allele CA5062897.